The following is an entry in ClinVar:

NM_001130144.3(LTBP3):c.422A>C (p.Gln141Pro)

Gene: LTBP3 (latent transforming growth factor beta binding protein 3; minus strand). Cytogenetic location: 11q13.1.
Variant type: single nucleotide variant.
Coding change: c.422A>C on transcript NM_001130144.3 (MANE Select); coding-DNA position 422, A replaced by C.
Protein change: p.Gln141Pro; replaces glutamine 141 with proline.
Molecular consequence: missense variant.
Genome position (GRCh38, 1-based): chr11:65,554,290, T>G on the plus strand (A>C on the coding strand, the complement: LTBP3 is on the minus strand). VCF-style: chr11-65554290-T-G. GRCh37 (hg19) VCF-style: chr11-65321761-T-G.
Other names: c.422A>C, p.Gln141Pro (NM_021070.4); c.71A>C, p.Gln24Pro (NM_001164266.1); short protein forms Q141P, Q24P.
Identifiers: ClinVar variation 2069007 (VCV002069007.4), dbSNP rs2496178456, ClinGen allele CA381276644.
Genomic context (GRCh38, chr11:65,554,290, plus strand): 5'-GTCCTGCTCAGGCCGGGGCCTGAGCCGCCGGTACCCCCACCGGCTCCTCCTGCGGGCACC[T>G]GGCAGAAGCGCCCAGTGAAGTCCGGGGGACACAGGCACTGGTTTCGCGAGGAGCACTGGC-3'
Protein context (NP_001123616.1, residues 131-151): CPPDFTGRFC[Gln141Pro]VPAGGAGGGT

ClinVar aggregate classification (germline): Uncertain significance (1 of 4 stars; one submission).

Conditions:
Brachyolmia-amelogenesis imperfecta syndrome. Also called: Tooth agenesis, selective, 6; Dental anomalies and short stature; PLATYSPONDYLY WITH AMELOGENESIS IMPERFECTA. Identifiers: Orphanet 2899, MedGen C1832594, MONDO:0011018, OMIM 601216. Disease mechanism: loss of function.

Submission:

Labcorp Genetics (formerly Invitae), Labcorp
Classification: Uncertain significance for Brachyolmia-amelogenesis imperfecta syndrome. Last evaluated: 2022-01-01. Review status: criteria provided, single submitter. Criteria: Invitae Variant Classification Sherloc (09022015). Collection method: clinical testing. Allele origin: germline.
Comment: In summary, the available evidence is currently insufficient to determine the role of this variant in disease. Therefore, it has been classified as a Variant of Uncertain Significance. Algorithms developed to predict the effect of missense changes on protein structure and function are either unavailable or do not agree on the potential impact of this missense change (SIFT: "Deleterious"; PolyPhen-2: "Probably Damaging"; Align-GVGD: "Class C0"). This variant has not been reported in the literature in individuals affected with LTBP3-related conditions. This variant is not present in population databases (gnomAD no frequency). This sequence change replaces glutamine, which is neutral and polar, with proline, which is neutral and non-polar, at codon 141 of the LTBP3 protein (p.Gln141Pro).